The following is an entry in ClinVar:

NM_198334.3(GANAB):c.928G>A (p.Asp310Asn)

Gene: GANAB (glucosidase II alpha subunit; minus strand). Cytogenetic location: 11q12.3.
Variant type: single nucleotide variant.
Coding change: c.928G>A on transcript NM_198334.3 (MANE Select); coding-DNA position 928, G replaced by A.
Protein change: p.Asp310Asn; replaces aspartic acid 310 with asparagine.
Molecular consequence: missense variant.
Genome position (GRCh38, 1-based): chr11:62,632,633, C>T on the plus strand (G>A on the coding strand, the complement: GANAB is on the minus strand). VCF-style: chr11-62632633-C-T. GRCh37 (hg19) VCF-style: chr11-62400105-C-T.
Other names: c.652G>A, p.Asp218Asn (NM_001278192.2); c.586G>A, p.Asp196Asn (NM_001278193.2); c.637G>A, p.Asp213Asn (NM_001278194.2, NM_001329222.2, NM_001329223.2); c.205G>A, p.Asp69Asn (NM_001329224.2, NM_001329225.2); c.994G>A, p.Asp332Asn (NM_198335.4); short protein forms D196N, D213N, D218N, D310N, D332N, D69N.
Identifiers: ClinVar variation 3350992 (VCV003350992.1).

ClinVar aggregate classification (germline): Uncertain significance (0 of 4 stars; one submission).

Conditions:
GANAB-related disorder. Also called: GANAB-related condition.

Submission:

PreventionGenetics, part of Exact Sciences
Classification: Uncertain significance for GANAB-related condition. Last evaluated: 2024-04-19. Review status: no assertion criteria provided. Collection method: clinical testing. Allele origin: germline.
Comment: The GANAB c.994G>A variant is predicted to result in the amino acid substitution p.Asp332Asn. To our knowledge, this variant has not been reported in the literature or in a large population database, indicating this variant is rare. At this time, the clinical significance of this variant is uncertain due to the absence of conclusive functional and genetic evidence.